The following is an entry in ClinVar:

ClinVar aggregate classification (germline): Benign/Likely benign. Review status: criteria provided, multiple submitters, no conflicts (2 of 4 stars). 2 submissions from 2 submitters: Benign (1); Likely benign (1). Last evaluated 2024-07-31.

Conditions:
Juvenile polyposis syndrome (JPS). Identifiers: Orphanet 2929, MedGen C0345893, MONDO:0017380, OMIM 174900.
Hereditary cancer-predisposing syndrome. Also called: Hereditary neoplastic syndrome; Tumor predisposition; Neoplastic Syndromes, Hereditary; Hereditary Cancer Syndrome. Identifiers: Orphanet 140162, MedGen C0027672, MeSH D009386, MONDO:0015356.

Submissions (2):

Myriad Genetics, Inc.
Classification: Benign for Juvenile polyposis syndrome. Last evaluated: 2024-07-31. Review status: criteria provided, single submitter. Criteria: Myriad Autosomal Dominant, Autosomal Recessive and X-Linked Classification Criteria (2023). Collection method: clinical testing. Allele origin: unknown.
Comment: This variant is considered benign. This variant is a silent/synonymous amino acid change and it is not expected to impact splicing.

Ambry Genetics
Classification: Likely benign for Hereditary cancer-predisposing syndrome. Last evaluated: 2023-01-02. Review status: criteria provided, single submitter. Criteria: Ambry Variant Classification Scheme 2023. Collection method: clinical testing. Allele origin: germline.

NM_004329.3(BMPR1A):c.147C>G (p.Thr49=)

Gene: BMPR1A (bone morphogenetic protein receptor type 1A; plus strand). Cytogenetic location: 10q23.2.
Variant type: single nucleotide variant.
Coding change: c.147C>G on transcript NM_004329.3 (MANE Select); coding-DNA position 147, C replaced by G.
Protein change: p.Thr49=; no amino-acid change (threonine 49 retained).
Molecular consequence: synonymous variant. On other transcripts: non-coding transcript variant (3).
Genome position (GRCh38, 1-based): chr10:86,890,141, C>G. VCF-style: chr10-86890141-C-G. GRCh37 (hg19) VCF-style: chr10-88649898-C-G.
Other names: c.147C>G, p.Thr49= (NM_001406559.1, NM_001406560.1, NM_001406561.1 and 23 more transcripts); c.63C>G, p.Thr21= (NM_001406584.1, NM_001406585.1, NM_001406586.1 and 2 more transcripts).
Identifiers: ClinVar variation 2450276 (VCV002450276.3), dbSNP rs1331572827, ClinGen allele CA470304543.
Genomic context (GRCh38, chr10:86,890,141, plus strand): 5'-GCTTCATGGCACTGGGATGAAATCAGACTCCGACCAGAAAAAGTCAGAAAATGGAGTAAC[C>G]TTAGCACCAGAGGATACCTTGCCTTTTTTAAAGTGCTATTGCTCAGGGCACTGTCCAGAT-3'
Protein context (NP_004320.2, residues 39-59): SDQKKSENGV[Thr49=]LAPEDTLPFL